The following is an entry in ClinVar:

ClinVar aggregate classification (germline): Conflicting classifications of pathogenicity. Review status: criteria provided, conflicting classifications (1 of 4 stars). 2 submissions from 2 submitters: Uncertain significance (1); Likely benign (1). Last evaluated 2024-12-25.

Conditions:
Inborn genetic diseases. Identifiers: MedGen C0950123, MeSH D030342.

Allele frequency attached by ClinVar (database versions not stated): TOPMed 0.00001; ExAC 0.00003; ESP Exome Variant Server 0.00008.
gnomAD v4.1: 18 of 1,614,100 alleles (0.0011%); highest among the groups gnomAD compares: South Asian, 0.0077%; 1 homozygote.

Submissions (2):

Ambry Genetics
Classification: Likely benign for Inborn genetic diseases. Last evaluated: 2024-12-25. Review status: criteria provided, single submitter. Criteria: Ambry Variant Classification Scheme 2023. Collection method: clinical testing. Allele origin: germline.

GeneDx
Classification: Uncertain significance. Last evaluated: 2023-05-09. Review status: criteria provided, single submitter. Criteria: GeneDx Variant Classification Process June 2021. Collection method: clinical testing. Allele origin: germline. Affected: yes.
Comment: In silico analysis supports that this missense variant does not alter protein structure/function; Has not been previously published as pathogenic or benign to our knowledge

NM_017934.7(PHIP):c.5078A>G (p.Asn1693Ser)

Genes: IRAK1BP1 (interleukin 1 receptor associated kinase 1 binding protein 1; plus strand), PHIP (PHIP subunit of CUL4-Ring ligase complex; minus strand). Cytogenetic location: 6q14.1.
Variant type: single nucleotide variant.
Coding change: c.5078A>G on transcript NM_017934.7 (MANE Select); coding-DNA position 5078, A replaced by G.
Protein change: p.Asn1693Ser; replaces asparagine 1693 with serine.
Molecular consequence: missense variant.
Genome position (GRCh38, 1-based): chr6:78,941,081, T>C on the plus strand (A>G on the coding strand, the complement: PHIP is on the minus strand). VCF-style: chr6-78941081-T-C. GRCh37 (hg19) VCF-style: chr6-79650798-T-C.
Other names: short protein forms N1693S.
Identifiers: ClinVar variation 2663247 (VCV002663247.2), dbSNP rs376750610, ClinGen allele CA3899316.